The following is an entry in ClinVar:

ClinVar aggregate classification (germline): Uncertain significance. Review status: criteria provided, multiple submitters, no conflicts (2 of 4 stars). 2 submissions from 2 submitters: Uncertain significance (2). Last evaluated 2024-11-19.

gnomAD v4.1: 8 of 1,002,441 alleles (0.0008%); highest among the groups gnomAD compares: Non-Finnish European, 0.00025%; no homozygotes.

Submissions (2):

Labcorp Genetics (formerly Invitae), Labcorp
Classification: Uncertain significance. Last evaluated: 2024-11-19. Review status: criteria provided, single submitter. Criteria: Invitae Variant Classification Sherloc (09022015). Collection method: clinical testing. Allele origin: germline.
Comment: This sequence change replaces cysteine, which is neutral and slightly polar, with tyrosine, which is neutral and polar, at codon 27 of the NYX protein (p.Cys27Tyr). The frequency data for this variant in the population databases is considered unreliable, as metrics indicate poor data quality at this position in the gnomAD database. This variant has not been reported in the literature in individuals affected with NYX-related conditions. Invitae Evidence Modeling of protein sequence and biophysical properties (such as structural, functional, and spatial information, amino acid conservation, physicochemical variation, residue mobility, and thermodynamic stability) indicates that this missense variant is not expected to disrupt NYX protein function with a negative predictive value of 80%. In summary, the available evidence is currently insufficient to determine the role of this variant in disease. Therefore, it has been classified as a Variant of Uncertain Significance.

Blueprint Genetics
Classification: Uncertain significance. Last evaluated: 2022-11-04. Review status: criteria provided, single submitter. Criteria: ACMG Guidelines, 2015. Collection method: clinical testing. Allele origin: germline.

NM_001378477.3(NYX):c.65G>A (p.Cys22Tyr)

Gene: NYX (nyctalopin; plus strand). Cytogenetic location: Xp11.4.
Variant type: single nucleotide variant.
Coding change: c.65G>A on transcript NM_001378477.3 (MANE Select); coding-DNA position 65, G replaced by A.
Protein change: p.Cys22Tyr; replaces cysteine 22 with tyrosine.
Molecular consequence: missense variant.
Genome position (GRCh38, 1-based): chrX:41,473,533, G>A. VCF-style: chrX-41473533-G-A. GRCh37 (hg19) VCF-style: chrX-41332786-G-A.
Other names: c.65G>A, p.Cys22Tyr (NM_022567.3); short protein forms C22Y.
Identifiers: ClinVar variation 3617712 (VCV003617712.3).